The following is an entry in ClinVar:

ClinVar aggregate classification (germline): Uncertain significance (1 of 4 stars; one submission).

Conditions:
Emery-Dreifuss muscular dystrophy 4, autosomal dominant (EDMD4). Also called: EMERY-DREIFUSS MUSCULAR DYSTROPHY 4 WITH VARIABLE FEATURES. Identifiers: Orphanet 261, MedGen C2751807, MONDO:0013071, OMIM 612998.
Autosomal recessive ataxia, Beauce type. Also called: SYNE1 Deficiency; Spinocerebellar ataxia, autosomal recessive 8; ATAXIA, RECESSIVE, OF BEAUCE; SYNE1-Related Autosomal Recessive Cerebellar Ataxia. Identifiers: Orphanet 88644, MedGen C1853116, MONDO:0012549, OMIM 610743.

Submission:

Labcorp Genetics (formerly Invitae), Labcorp
Classification: Uncertain significance for Emery-Dreifuss muscular dystrophy 4, autosomal dominant; Autosomal recessive ataxia, Beauce type. Last evaluated: 2022-11-15. Review status: criteria provided, single submitter. Criteria: Invitae Variant Classification Sherloc (09022015). Collection method: clinical testing. Allele origin: germline.
Comment: In summary, the available evidence is currently insufficient to determine the role of this variant in disease. Therefore, it has been classified as a Variant of Uncertain Significance. This sequence change replaces tryptophan, which is neutral and slightly polar, with arginine, which is basic and polar, at codon 3586 of the SYNE1 protein (p.Trp3586Arg). This variant is not present in population databases (gnomAD no frequency). This variant has not been reported in the literature in individuals affected with SYNE1-related conditions. Algorithms developed to predict the effect of missense changes on protein structure and function (SIFT, PolyPhen-2, Align-GVGD) all suggest that this variant is likely to be disruptive.

NM_182961.4(SYNE1):c.10735T>C (p.Trp3579Arg)

Gene: SYNE1 (spectrin repeat containing nuclear envelope protein 1; minus strand). Cytogenetic location: 6q25.2.
Variant type: single nucleotide variant.
Coding change: c.10735T>C on transcript NM_182961.4 (MANE Select); coding-DNA position 10735, T replaced by C.
Protein change: p.Trp3579Arg; replaces tryptophan 3579 with arginine.
Molecular consequence: missense variant.
Genome position (GRCh38, 1-based): chr6:152,354,850, A>G on the plus strand (T>C on the coding strand, the complement: SYNE1 is on the minus strand). VCF-style: chr6-152354850-A-G. GRCh37 (hg19) VCF-style: chr6-152675985-A-G.
Other names: c.10756T>C, p.Trp3586Arg (NM_033071.5); short protein forms W3579R, W3586R.
Identifiers: ClinVar variation 2095963 (VCV002095963.4), dbSNP rs2488295689, ClinGen allele CA366125434.